The following is an entry in ClinVar:

ClinVar aggregate classification (germline): Conflicting classifications of pathogenicity. Review status: criteria provided, conflicting classifications (1 of 4 stars). 5 submissions from 5 submitters: Likely pathogenic (1); Uncertain significance (4). Last evaluated 2026-07-05.

Conditions:
RYR1-related disorder. Also called: RYR1-related disorders; RYR1-related condition. Identifiers: MedGen CN239331.
Malignant hyperthermia, susceptibility to, 1 (MHS1). Also called: Malignant hyperthermia suceptibility 1; Anesthesia related hyperthermia; Malignant hyperpyrexia; Fulminating hyperpyrexia; Pharmacogenic myopathy; RYR1-Related Malignant Hyperthermia Susceptibility. Identifiers: Orphanet 423, MedGen C2930980, MONDO:0007783, OMIM 145600.
Congenital multicore myopathy with external ophthalmoplegia (CMYO1B). Also called: MULTIMINICORE DISEASE WITH EXTERNAL OPHTHALMOPLEGIA; Congenital myopathy 1B, autosomal recessive; Minicore myopathy; MULTICORE MYOPATHY; Minicore myopathy with external ophthalmoplegia. Identifiers: Orphanet 598, Orphanet 98905, MedGen C1850674, MONDO:0009712, OMIM 255320, HP:0003789.

Allele frequency attached by ClinVar (database versions not stated): gnomAD exomes 0.00001; ExAC 0.00002; gnomAD 0.00002; TOPMed 0.00003; ESP Exome Variant Server 0.00008; 1000 Genomes Project 0.00020; 1000 Genomes Project 30x 0.00031.
gnomAD v4.1: 15 of 1,614,120 alleles (0.00093%); highest among the groups gnomAD compares: Admixed American, 0.0017%; no homozygotes.

Submissions (5):

GeneDx
Classification: Likely pathogenic. Last evaluated: 2026-07-05. Review status: criteria provided, single submitter. Criteria: GeneDx Variant Classification Process June 2021. Collection method: clinical testing. Allele origin: germline.
Comment: Not observed at significant frequency in large population cohorts (gnomAD); In silico analysis supports that this missense variant has a deleterious effect on protein structure/function; Has not been previously published as pathogenic or benign to our knowledge; This variant is associated with the following publications: (PMID: 20681998, 33767344)

3billion
Classification: Uncertain significance for Congenital multicore myopathy with external ophthalmoplegia. Last evaluated: 2025-12-18. Review status: criteria provided, single submitter. Criteria: ACMG Guidelines, 2015. Collection method: clinical testing. Allele origin: germline. Affected: yes.
Comment: The variant is observed at an extremely low frequency in the gnomAD v4.1.0 dataset (total allele frequency: <0.001%). Predicted Consequence/Location: Missense variant In silico tool predictions suggest damaging effect of the variant on gene or gene product [3Cnet: 0.99 (> 0.75, sensitivity 0.96 and precision 0.92)]. The same nucleotide change resulting in the same amino acid change has been previously reported to be associated with RYR1-related disorder (ClinVar ID: VCV001800878). However, the evidence of pathogenicity is insufficient at this time. Therefore, this variant is classified as VUS according to the recommendation of ACMG/AMP guideline.

Labcorp Genetics (formerly Invitae), Labcorp
Classification: Uncertain significance for RYR1-related disorder. Last evaluated: 2025-11-22. Review status: criteria provided, single submitter. Criteria: Invitae Variant Classification Sherloc (09022015). Collection method: clinical testing. Allele origin: germline.
Comment: This sequence change replaces proline, which is neutral and non-polar, with leucine, which is neutral and non-polar, at codon 4762 of the RYR1 protein (p.Pro4762Leu). This variant is present in population databases (rs146793368, gnomAD 0.004%). This variant has not been reported in the literature in individuals affected with RYR1-related conditions. ClinVar contains an entry for this variant (Variation ID: 1800878). Invitae Evidence Modeling of protein sequence and biophysical properties (such as structural, functional, and spatial information, amino acid conservation, physicochemical variation, residue mobility, and thermodynamic stability) indicates that this missense variant is not expected to disrupt RYR1 protein function with a negative predictive value of 80%. In summary, the available evidence is currently insufficient to determine the role of this variant in disease. Therefore, it has been classified as a Variant of Uncertain Significance.

PreventionGenetics, part of Exact Sciences
Classification: Uncertain significance for RYR1-related condition. Last evaluated: 2025-07-18. Review status: criteria provided, single submitter. Criteria: ACMG Guidelines, 2015. Collection method: clinical testing. Allele origin: germline.
Comment: The RYR1 c.14285C>T variant is predicted to result in the amino acid substitution p.Pro4762Leu. To our knowledge, this variant has not been reported in the literature. This variant is reported in 0.0062% of alleles in individuals of African descent in gnomAD. At this time, the clinical significance of this variant is uncertain due to the absence of conclusive functional and genetic evidence.

Color Diagnostics, LLC DBA Color Health
Classification: Uncertain significance for Malignant hyperthermia, susceptibility to, 1. Last evaluated: 2024-02-03. Review status: criteria provided, single submitter. Criteria: ACMG Guidelines, 2015. Collection method: clinical testing. Allele origin: germline.
Comment: This missense variant replaces proline with leucine at codon 4762 of the RYR1 protein. Computational prediction suggests that this variant may not impact protein structure and function. To our knowledge, functional studies have not been reported for this variant. This variant has not been reported in individuals affected with RYR1-related disorders in the literature. This variant has been identified in 5/250982 chromosomes in the general population by the Genome Aggregation Database (gnomAD). The available evidence is insufficient to determine the role of this variant in disease conclusively. Therefore, this variant is classified as a Variant of Uncertain Significance.

NM_000540.3(RYR1):c.14285C>T (p.Pro4762Leu)

Gene: RYR1 (ryanodine receptor 1; plus strand). Cytogenetic location: 19q13.2.
Variant type: single nucleotide variant.
Coding change: c.14285C>T on transcript NM_000540.3 (MANE Select); coding-DNA position 14285, C replaced by T.
Protein change: p.Pro4762Leu; replaces proline 4762 with leucine.
Molecular consequence: missense variant.
Genome position (GRCh38, 1-based): chr19:38,578,030, C>T. VCF-style: chr19-38578030-C-T. GRCh37 (hg19) VCF-style: chr19-39068670-C-T.
Other names: c.14270C>T, p.Pro4757Leu (NM_001042723.2); short protein forms P4757L, P4762L.
Identifiers: ClinVar variation 1800878 (VCV001800878.9), dbSNP rs146793368, ClinGen allele CA061040.